The following is an entry in ClinVar:

NM_006618.5(KDM5B):c.1888G>A (p.Asp630Asn)

Gene: KDM5B (lysine demethylase 5B; minus strand). Cytogenetic location: 1q32.1.
Variant type: single nucleotide variant.
Coding change: c.1888G>A on transcript NM_006618.5 (MANE Select); coding-DNA position 1888, G replaced by A.
Protein change: p.Asp630Asn; replaces aspartic acid 630 with asparagine.
Molecular consequence: missense variant.
Genome position (GRCh38, 1-based): chr1:202,749,073, C>T on the plus strand (G>A on the coding strand, the complement: KDM5B is on the minus strand). VCF-style: chr1-202749073-C-T. GRCh37 (hg19) VCF-style: chr1-202718201-C-T.
Other names: c.1996G>A, p.Asp666Asn (NM_001314042.2); c.1753G>A, p.Asp585Asn (NM_001347591.2); c.1873G>A, p.Asp625Asn (NM_001399817.1); short protein forms D585N, D630N, D625N, D666N.
Identifiers: ClinVar variation 4042359 (VCV004042359.2).

ClinVar aggregate classification (germline): Uncertain significance. Review status: criteria provided, multiple submitters, no conflicts (2 of 4 stars). 2 submissions from 2 submitters: Uncertain significance (2). Last evaluated 2025-10-01.

Conditions:
Inborn genetic diseases. Identifiers: MedGen C0950123, MeSH D030342.

gnomAD v4.1: 5 of 1,614,012 alleles (0.00031%); highest among the groups gnomAD compares: African/African-American, 0.0013%; no homozygotes.

Submissions (2):

Labcorp Genetics (formerly Invitae), Labcorp
Classification: Uncertain significance. Last evaluated: 2025-10-01. Review status: criteria provided, single submitter. Criteria: Invitae Variant Classification Sherloc (09022015). Collection method: clinical testing. Allele origin: germline.
Comment: This sequence change replaces aspartic acid, which is acidic and polar, with asparagine, which is neutral and polar, at codon 630 of the KDM5B protein (p.Asp630Asn). This variant is present in population databases (rs760881914, gnomAD 0.007%). This variant has not been reported in the literature in individuals affected with KDM5B-related conditions. ClinVar contains an entry for this variant (Variation ID: 4042359). Invitae Evidence Modeling of protein sequence and biophysical properties (such as structural, functional, and spatial information, amino acid conservation, physicochemical variation, residue mobility, and thermodynamic stability) has been performed for this missense variant. However, the output from this modeling did not meet the statistical confidence thresholds required to predict the impact of this variant on KDM5B protein function. In summary, the available evidence is currently insufficient to determine the role of this variant in disease. Therefore, it has been classified as a Variant of Uncertain Significance.

Ambry Genetics
Classification: Uncertain significance for Inborn genetic diseases. Last evaluated: 2025-04-20. Review status: criteria provided, single submitter. Criteria: Ambry Variant Classification Scheme 2023. Collection method: clinical testing. Allele origin: germline.